The following is an entry in ClinVar:

NC_000009.12:g.35657984T>G

Gene: RMRP (RNA component of mitochondrial RNA processing endoribonuclease; minus strand). Cytogenetic location: 9p13.3.
Variant type: single nucleotide variant.
Genome position: GRCh38 VCF-style: chr9-35657984-T-G. GRCh37 (hg19) VCF-style: chr9-35657981-T-G.
Identifiers: ClinVar variation 2149593 (VCV002149593.3), dbSNP rs572081363, ClinGen allele CA192745704.

ClinVar aggregate classification (germline): Uncertain significance (1 of 4 stars; one submission).

Conditions:
Anauxetic dysplasia. Identifiers: Orphanet 93347, MedGen C1846796, MONDO:0011773.

Allele frequency attached by ClinVar (database versions not stated): 1000 Genomes Project 30x 0.00016.
gnomAD v4.1: 9 of 700,366 alleles (0.0013%); highest among the groups gnomAD compares: African/African-American, 0.007%; no homozygotes.

Submission:

Labcorp Genetics (formerly Invitae), Labcorp
Classification: Uncertain significance for Anauxetic dysplasia. Last evaluated: 2024-02-24. Review status: criteria provided, single submitter. Criteria: Invitae Variant Classification Sherloc (09022015). Collection method: clinical testing. Allele origin: germline.
Comment: This variant occurs in the RMRP gene, which encodes an RNA molecule that does not result in a protein product. This variant is present in population databases (no rsID available, gnomAD 0.01%). This variant has not been reported in the literature in individuals affected with RMRP-related conditions. ClinVar contains an entry for this variant (Variation ID: 2149593). Experimental studies and prediction algorithms are not available or were not evaluated, and the functional significance of this variant is currently unknown. In summary, the available evidence is currently insufficient to determine the role of this variant in disease. Therefore, it has been classified as a Variant of Uncertain Significance.